The following is an entry in ClinVar:

NM_001256627.2(BRSK2):c.2118C>T (p.Ala706=)

Gene: BRSK2 (BR serine/threonine kinase 2; plus strand). Cytogenetic location: 11p15.5.
Variant type: single nucleotide variant.
Coding change: c.2118C>T on transcript NM_001256627.2 (MANE Select); coding-DNA position 2118, C replaced by T.
Protein change: p.Ala706=; no amino-acid change (alanine 706 retained).
Molecular consequence: synonymous variant. On other transcripts: intron variant (3).
Genome position (GRCh38, 1-based): chr11:1,460,630, C>T. VCF-style: chr11-1460630-C-T. GRCh37 (hg19) VCF-style: chr11-1481860-C-T.
Other names: c.2208C>T, p.Ala736= (NM_001256630.1); c.*10-340C>T (NM_001256629.2, NM_001282218.2); c.1988-340C>T (NM_003957.4).
Identifiers: ClinVar variation 3034961 (VCV003034961.2), dbSNP rs1464999633, ClinGen allele CA472065732.

ClinVar aggregate classification (germline): Likely benign (0 of 4 stars; one submission).

Conditions:
BRSK2-related disorder. Also called: BRSK2-related condition; BRSK2-Related Disorders.

Allele frequency attached by ClinVar (database versions not stated): gnomAD exomes below 0.00001; gnomAD 0.00001; TOPMed 0.00001.
gnomAD v4.1: 7 of 1,530,400 alleles (0.00046%); highest among the groups gnomAD compares: Admixed American, 0.002%; no homozygotes.

Submission:

PreventionGenetics, part of Exact Sciences
Classification: Likely benign for BRSK2-related condition. Last evaluated: 2019-07-30. Review status: no assertion criteria provided. Collection method: clinical testing. Allele origin: germline.
Comment: This variant is classified as likely benign based on ACMG/AMP sequence variant interpretation guidelines (Richards et al. 2015 PMID: 25741868, with internal and published modifications).